The following is an entry in ClinVar:

ClinVar aggregate classification (germline): Uncertain significance (1 of 4 stars; one submission).

Conditions:
CFAP54-related condition.

Submission:

PreventionGenetics, part of Exact Sciences
Classification: Uncertain significance for CFAP54-related condition. Last evaluated: 2026-09-21. Review status: criteria provided, single submitter. Criteria: ACMG Guidelines, 2015. Collection method: clinical testing. Allele origin: germline.
Comment: The CFAP54 c.550A>G variant is predicted to result in the amino acid substitution p.Lys184Glu. To our knowledge, this variant has not been reported in the literature. This variant is reported in 0.011% of alleles in individuals of South Asian descent in gnomAD. At this time, the clinical significance of this variant is uncertain due to the absence of conclusive functional and genetic evidence.

NM_001306084.2(CFAP54):c.550A>G (p.Lys184Glu)

Gene: CFAP54 (cilia and flagella associated protein 54; plus strand). Cytogenetic location: 12q23.1.
Variant type: single nucleotide variant.
Coding change: c.550A>G on transcript NM_001306084.2 (MANE Select); coding-DNA position 550, A replaced by G.
Protein change: p.Lys184Glu; replaces lysine 184 with glutamic acid.
Molecular consequence: missense variant.
Genome position (GRCh38, 1-based): chr12:96,504,012, A>G. VCF-style: chr12-96504012-A-G. GRCh37 (hg19) VCF-style: chr12-96897790-A-G.
Other names: c.550A>G, p.Lys184Glu (NM_001367885.1); short protein forms K184E.
Identifiers: ClinVar variation 4985610 (VCV004985610.1).